The following is an entry in ClinVar:

ClinVar aggregate classification (germline): Uncertain significance. Review status: criteria provided, multiple submitters, no conflicts (2 of 4 stars). 3 submissions from 3 submitters: Uncertain significance (2). 1 of the submissions does not count toward it. Last evaluated 2025-12-20.

Conditions:
Zellweger spectrum disorders (ZS). Also called: Zellweger syndrome; Zellweger Spectrum Disorder; Zellweger Spectrum; Zellweger Spectrum Disorder (ZSD). Identifiers: Orphanet 912, MedGen C0043459, MONDO:0019609.

Allele frequency attached by ClinVar (database versions not stated): gnomAD 0.00001 and 0.00002; gnomAD exomes 0.00001; ExAC 0.00002; TOPMed 0.00002.
gnomAD v4.1: 48 of 1,612,070 alleles (0.003%); highest among the groups gnomAD compares: Admixed American, 0.005%; no homozygotes.

Submissions (3):

Labcorp Genetics (formerly Invitae), Labcorp
Classification: Uncertain significance for Zellweger spectrum disorders. Last evaluated: 2025-12-20. Review status: criteria provided, single submitter. Criteria: Invitae Variant Classification Sherloc (09022015). Collection method: clinical testing. Allele origin: germline.
Comment: This sequence change replaces proline, which is neutral and non-polar, with leucine, which is neutral and non-polar, at codon 1025 of the PEX1 protein (p.Pro1025Leu). This variant is present in population databases (rs760252307, gnomAD 0.003%). This variant has not been reported in the literature in individuals affected with PEX1-related conditions. ClinVar contains an entry for this variant (Variation ID: 1050242). Invitae Evidence Modeling of protein sequence and biophysical properties (such as structural, functional, and spatial information, amino acid conservation, physicochemical variation, residue mobility, and thermodynamic stability) indicates that this missense variant is not expected to disrupt PEX1 protein function with a negative predictive value of 95%. In summary, the available evidence is currently insufficient to determine the role of this variant in disease. Therefore, it has been classified as a Variant of Uncertain Significance.

GeneDx
Classification: Uncertain significance. Last evaluated: 2023-10-13. Review status: criteria provided, single submitter. Criteria: GeneDx Variant Classification Process June 2021. Collection method: clinical testing. Allele origin: germline. Affected: yes.
Comment: Has not been previously published as pathogenic or benign to our knowledge; Not observed at significant frequency in large population cohorts (gnomAD); In silico analysis supports that this missense variant has a deleterious effect on protein structure/function

Department of Pathology and Laboratory Medicine, Sinai Health System
Classification: Uncertain significance. Review status: no assertion criteria provided. Collection method: clinical testing. Allele origin: unknown. Affected: yes. Study: The Canadian Open Genetics Repository (COGR). Not counted in ClinVar's aggregate classification.
Comment: The PEX1 p.Pro817Leu variant was not identified in the literature nor was it identified in ClinVar or LOVD 3.0. The variant was identified in dbSNP (ID: rs760252307) and in control databases in 4 of 282404 chromosomes at a frequency of 0.00001416 (Genome Aggregation Database March 6, 2019, v2.1.1). The variant was observed in the following populations: Latino in 1 of 35412 chromosomes (freq: 0.000028) and European (non-Finnish) in 3 of 128802 chromosomes (freq: 0.000023), but was not observed in the African, Ashkenazi Jewish, East Asian, European (Finnish), Other, or South Asian populations. The p.Pro817 residue is not conserved in mammals and computational analyses (PolyPhen-2, SIFT, AlignGVGD, BLOSUM, MutationTaster) provide inconsistent predictions regarding the impact to the protein; this information is not very predictive of pathogenicity. The variant occurs outside of the splicing consensus sequence and in silico or computational prediction software programs (SpliceSiteFinder, MaxEntScan, NNSPLICE, GeneSplicer) do not predict a difference in splicing. In summary, based on the above information the clinical significance of this variant cannot be determined with certainty at this time. This variant is classified as a variant of uncertain significance.

NM_000466.3(PEX1):c.3074C>T (p.Pro1025Leu)

Genes: GATAD1 (GATA zinc finger domain containing 1; plus strand), PEX1 (peroxisomal biogenesis factor 1; minus strand). Cytogenetic location: 7q21.2.
Variant type: single nucleotide variant.
Coding change: c.3074C>T on transcript NM_000466.3 (MANE Select); coding-DNA position 3074, C replaced by T.
Protein change: p.Pro1025Leu; replaces proline 1025 with leucine.
Molecular consequence: missense variant.
Genome position (GRCh38, 1-based): chr7:92,493,086, G>A on the plus strand (C>T on the coding strand, the complement: PEX1 is on the minus strand). VCF-style: chr7-92493086-G-A. GRCh37 (hg19) VCF-style: chr7-92122400-G-A.
Other names: c.2903C>T, p.Pro968Leu (NM_001282677.2); c.2450C>T, p.Pro817Leu (NM_001282678.2); c.3074C>T (NM_000466.2); short protein forms P1025L, P817L, P968L.
Identifiers: ClinVar variation 1050242 (VCV001050242.3), dbSNP rs760252307, ClinGen allele CA4340905.